The following is an entry in ClinVar:

NM_006642.5(SDCCAG8):c.1757A>G (p.Tyr586Cys)

Gene: SDCCAG8 (SHH signaling and ciliogenesis regulator SDCCAG8; plus strand). Cytogenetic location: 1q43.
Variant type: single nucleotide variant.
Coding change: c.1757A>G on transcript NM_006642.5 (MANE Select); coding-DNA position 1757, A replaced by G.
Protein change: p.Tyr586Cys; replaces tyrosine 586 with cysteine.
Molecular consequence: missense variant.
Genome position (GRCh38, 1-based): chr1:243,417,980, A>G. VCF-style: chr1-243417980-A-G. GRCh37 (hg19) VCF-style: chr1-243581282-A-G.
Other names: c.854A>G, p.Tyr285Cys (NM_001350246.2, NM_001350247.2, NM_001350251.2); c.1853A>G, p.Tyr618Cys (NM_001350248.2); c.1463A>G, p.Tyr488Cys (NM_001350249.2); short protein forms Y586C, Y488C, Y618C, Y285C.
Identifiers: ClinVar variation 4992586 (VCV004992586.1).

ClinVar aggregate classification (germline): Uncertain significance (1 of 4 stars; one submission).

Conditions:
SDCCAG8-related disorder. Also called: SDCCAG8-related condition; SDCCAG8-Related Disorders.

gnomAD v4.1: 1 of 1,609,566 alleles (0.000062%); highest among the groups gnomAD compares: African/African-American, 0.0013%; no homozygotes.

Submission:

PreventionGenetics, part of Exact Sciences
Classification: Uncertain significance for SDCCAG8-related condition. Last evaluated: 2026-09-14. Review status: criteria provided, single submitter. Criteria: ACMG Guidelines, 2015. Collection method: clinical testing. Allele origin: germline.
Comment: The SDCCAG8 c.1757A>G variant is predicted to result in the amino acid substitution p.Tyr586Cys. To our knowledge, this variant has not been reported in the literature or in a large population database (gnomAD), indicating this variant is rare. At this time, the clinical significance of this variant is uncertain due to the absence of conclusive functional and genetic evidence.